The following is an entry in ClinVar:

NM_001145358.2(SIN3A):c.3394C>T (p.Arg1132Trp)

Gene: SIN3A (SIN3 transcription regulator family member A; minus strand). Cytogenetic location: 15q24.2.
Variant type: single nucleotide variant.
Coding change: c.3394C>T on transcript NM_001145358.2 (MANE Select); coding-DNA position 3394, C replaced by T.
Protein change: p.Arg1132Trp; replaces arginine 1132 with tryptophan.
Molecular consequence: missense variant.
Genome position (GRCh38, 1-based): chr15:75,375,862, G>A on the plus strand (C>T on the coding strand, the complement: SIN3A is on the minus strand). VCF-style: chr15-75375862-G-A. GRCh37 (hg19) VCF-style: chr15-75668203-G-A.
Other names: c.3394C>T, p.Arg1132Trp (NM_001145357.2, NM_015477.3); short protein forms R1132W.
Identifiers: ClinVar variation 2991174 (VCV002991174.3), dbSNP rs1332749033, ClinGen allele CA393486155.

ClinVar aggregate classification (germline): Uncertain significance (1 of 4 stars; one submission).

Allele frequency attached by ClinVar (database versions not stated): gnomAD exomes below 0.00001; TOPMed 0.00001.

Submission:

Labcorp Genetics (formerly Invitae), Labcorp
Classification: Uncertain significance. Last evaluated: 2023-01-17. Review status: criteria provided, single submitter. Criteria: Invitae Variant Classification Sherloc (09022015). Collection method: clinical testing. Allele origin: germline.
Comment: In summary, the available evidence is currently insufficient to determine the role of this variant in disease. Therefore, it has been classified as a Variant of Uncertain Significance. Advanced modeling of protein sequence and biophysical properties (such as structural, functional, and spatial information, amino acid conservation, physicochemical variation, residue mobility, and thermodynamic stability) performed at Invitae indicates that this missense variant is not expected to disrupt SIN3A protein function. This variant has not been reported in the literature in individuals affected with SIN3A-related conditions. This variant is present in population databases (no rsID available, gnomAD 0.003%). This sequence change replaces arginine, which is basic and polar, with tryptophan, which is neutral and slightly polar, at codon 1132 of the SIN3A protein (p.Arg1132Trp).